The following is an entry in ClinVar:

NM_018082.6(POLR3B):c.1370C>T (p.Ser457Phe)

Gene: POLR3B (RNA polymerase III subunit B; plus strand). Cytogenetic location: 12q23.3.
Variant type: single nucleotide variant.
Coding change: c.1370C>T on transcript NM_018082.6 (MANE Select); coding-DNA position 1370, C replaced by T.
Protein change: p.Ser457Phe; replaces serine 457 with phenylalanine.
Molecular consequence: missense variant.
Genome position (GRCh38, 1-based): chr12:106,430,379, C>T. VCF-style: chr12-106430379-C-T. GRCh37 (hg19) VCF-style: chr12-106824157-C-T.
Other names: c.1196C>T, p.Ser399Phe (NM_001160708.2); short protein forms S399F, S457F.
Identifiers: ClinVar variation 3778742 (VCV003778742.1).

ClinVar aggregate classification (germline): Likely pathogenic (1 of 4 stars; one submission).

Conditions:
Charcot-Marie-Tooth disease, demyelinating, IIA 1I. Also called: CHARCOT-MARIE-TOOTH NEUROPATHY, TYPE 1I; Charcot-Marie-Tooth disease, demyelinating, type 1I. Identifiers: MedGen C5676914, MONDO:0030677, OMIM 619742.

Submission:

Institute of Human Genetics, University of Leipzig Medical Center
Classification: Likely pathogenic for Charcot-Marie-Tooth disease, demyelinating, IIA 1I. Last evaluated: 2025-03-12. Review status: criteria provided, single submitter. Criteria: ACMG Guidelines, 2015. Collection method: clinical testing. Allele origin: de novo. Inheritance: Autosomal dominant inheritance. Affected: yes.
Comment: Criteria applied: PS2_MOD,PM2,PM1_SUP,PP3